The following is an entry in ClinVar:

ClinVar aggregate classification (germline): Benign (1 of 4 stars; one submission).

Allele frequency attached by ClinVar (database versions not stated): TOPMed 0.00117; gnomAD 0.00121; ExAC 0.00122; ESP Exome Variant Server 0.00134; gnomAD exomes 0.00173.
gnomAD v4.1: 2,666 of 1,613,442 alleles (0.17%); highest among the groups gnomAD compares: Non-Finnish European, 0.21%; 2 homozygotes.

Submission:

CeGaT Center for Human Genetics Tuebingen
Classification: Benign. Last evaluated: 2022-05-01. Review status: criteria provided, single submitter. Criteria: CeGaT Center For Human Genetics Tuebingen Variant Classification Criteria Version 2. Collection method: clinical testing. Allele origin: germline. Affected: yes. Observed: 1 variant allele.
Comment: TRPM7: BP4, BS1, BS2

NM_017672.6(TRPM7):c.223A>G (p.Ile75Val)

Gene: TRPM7 (transient receptor potential cation channel subfamily M member 7; minus strand). Cytogenetic location: 15q21.2.
Variant type: single nucleotide variant.
Coding change: c.223A>G on transcript NM_017672.6 (MANE Select); coding-DNA position 223, A replaced by G.
Protein change: p.Ile75Val; replaces isoleucine 75 with valine.
Molecular consequence: missense variant. On other transcripts: non-coding transcript variant (3).
Genome position (GRCh38, 1-based): chr15:50,648,785, T>C on the plus strand (A>G on the coding strand, the complement: TRPM7 is on the minus strand). VCF-style: chr15-50648785-T-C. GRCh37 (hg19) VCF-style: chr15-50940982-T-C.
Other names: c.223A>G, p.Ile75Val (NM_001301212.2); short protein forms I75V.
Identifiers: ClinVar variation 2645332 (VCV002645332.24), dbSNP rs12913973, ClinGen allele CA7558039.